The following is an entry in ClinVar:

NM_003073.3(SMARCB1):c.-352T>G

Gene: SMARCB1 (SWI/SNF related BAF chromatin remodeling complex subunit B1; plus strand). Cytogenetic location: 22q11.23.
Variant type: single nucleotide variant.
Coding change: c.-352T>G on transcript NM_003073.3; 352 bases upstream of the start codon, T replaced by G.
Genome position (GRCh38, 1-based): chr22:23,786,818, T>G. VCF-style: chr22-23786818-T-G. GRCh37 (hg19) VCF-style: chr22-24129005-T-G.
Identifiers: ClinVar variation 684097 (VCV000684097.3), dbSNP rs2073387, ClinGen allele CA15999388.
Genomic context (GRCh38, chr22:23,786,818, plus strand): 5'-GGGCTCAGTTCCAGTCCTGGCTGTAAGACTGGGAAAGCCACTGCTTGAGTCAGGACCTCA[T>G]TGGCTATTTTTGTCCGTGAGAAGTCCTCTACACCACGACTTGGGAGGCAGCCTGGGAGAA-3'

ClinVar aggregate classification (germline): Benign (1 of 4 stars; one submission).

Allele frequency attached by ClinVar (database versions not stated): TOPMed 0.91475; gnomAD 0.92379 and 0.91817; 1000 Genomes Project 0.86522; 1000 Genomes Project 30x 0.86743; gnomAD exomes 0.90132.

Submission:

GeneDx
Classification: Benign. Last evaluated: 2018-06-19. Review status: criteria provided, single submitter. Criteria: GeneDx Variant Classification (06012015). Collection method: clinical testing. Allele origin: germline. Affected: yes.
Comment: This variant is considered likely benign or benign based on one or more of the following criteria: it is a conservative change, it occurs at a poorly conserved position in the protein, it is predicted to be benign by multiple in silico algorithms, and/or has population frequency not consistent with disease.